The following is an entry in ClinVar:

ClinVar aggregate classification (germline): Pathogenic (1 of 4 stars; one submission).

Conditions:
Alstrom syndrome (ALMS). Identifiers: Orphanet 64, MedGen C0268425, MONDO:0008763, OMIM 203800.

Submission:

Labcorp Genetics (formerly Invitae), Labcorp
Classification: Pathogenic for Alstrom syndrome. Last evaluated: 2025-05-02. Review status: criteria provided, single submitter. Criteria: Invitae Variant Classification Sherloc (09022015). Collection method: clinical testing. Allele origin: germline.
Comment: This sequence change creates a premature translational stop signal (p.Gln4065Argfs*52) in the ALMS1 gene. It is expected to result in an absent or disrupted protein product. Loss-of-function variants in ALMS1 are known to be pathogenic (PMID: 17594715). This variant is not present in population databases (gnomAD no frequency). This variant has not been reported in the literature in individuals affected with ALMS1-related conditions. For these reasons, this variant has been classified as Pathogenic.

Literature cited by the submitters: PubMed 17594715.

NM_001378454.1(ALMS1):c.12190del (p.Gln4064fs)

Genes: ALMS1 (ALMS1 centrosome and basal body associated protein; plus strand), LOC126806252 (BRD4-independent group 4 enhancer GRCh37_chr2:73828496-73829695; plus strand). Cytogenetic location: 2p13.1.
Variant type: Deletion.
Coding change: c.12190del on transcript NM_001378454.1 (MANE Select); coding-DNA position 12190, one base deleted (C; older notation c.12190delC).
Protein change: p.Gln4064fs; shifts the reading frame from glutamine 4064.
Molecular consequence: frameshift variant.
Genome position (GRCh38, 1-based): chr2:73,602,260, C deleted; the last of 2 consecutive C bases (chr2:73,602,259-73,602,260); deleting either gives the same sequence. VCF-style (leftmost placement, unchanged base first): chr2-73602258-TC-T. GRCh37 (hg19) VCF-style: chr2-73829385-TC-T.
Other names: c.12193del, p.Gln4065fs (NM_015120.4); short protein forms Q4064fs, Q4065fs.
Identifiers: ClinVar variation 4738779 (VCV004738779.1).